The following is an entry in ClinVar:

NM_000489.6(ATRX):c.6457C>T (p.Arg2153Cys)

Gene: ATRX (ATRX chromatin remodeler; minus strand). Cytogenetic location: Xq21.1.
Variant type: single nucleotide variant.
Coding change: c.6457C>T on transcript NM_000489.6 (MANE Select); coding-DNA position 6457, C replaced by T.
Protein change: p.Arg2153Cys; replaces arginine 2153 with cysteine.
Molecular consequence: missense variant.
Genome position (GRCh38, 1-based): chrX:77,558,716, G>A on the plus strand (C>T on the coding strand, the complement: ATRX is on the minus strand). VCF-style: chrX-77558716-G-A. GRCh37 (hg19) VCF-style: chrX-76814187-G-A.
Other names: c.6343C>T, p.Arg2115Cys (NM_138270.5); short protein forms R2115C, R2153C.
Identifiers: ClinVar variation 4530225 (VCV004530225.1).

ClinVar aggregate classification (somatic clinical impact): Tier II - Potential (1 of 4 stars; one submission).

Conditions:
Diffuse midline glioma, H3 K27M-mutant. Identifiers: MedGen C4289688, MONDO:0957196.

Submission:

Institute for Genomic Medicine (IGM) Clinical Laboratory, Nationwide Children's Hospital
Classification: Tier II - Potential for Diffuse midline glioma, H3 K27M-mutant. Assertion type: diagnostic. Clinical significance: supports diagnosis. Last evaluated: 2024-06-26. Review status: criteria provided, single submitter. Criteria: AMP/ASCO/CAP Guidelines, 2017. Collection method: clinical testing. Allele origin: somatic. Affected: yes.
Comment: Variant has Tier II (potential) clinical significance as a diagnostic inclusion criterion in diffuse midline glioma, H3 K27M-mutant, based on the following evidence: 1) Documented in one or more cancer databases (e.g., St. Jude Pecan, COSMIC, CIViC, OncoKB). 2) Appears in one or more well-established professional guidelines (e.g., World Health Organization [WHO]; National Comprehensive Cancer Network [NCCN]) as providing diagnostic, prognostic, or therapeutic information. 3) Diagnostic significance based on multiple small studies (Evidence Level C; PMIDs: 24705251, 28966033, 22661320, 25230881, 26517431).

Literature cited by the submitters: PubMed 24705251; PubMed 28966033; PubMed 22661320; PubMed 25230881; PubMed 26517431.